The following is an entry in ClinVar:

NM_018941.4(CLN8):c.606C>G (p.His202Gln)

Gene: CLN8 (CLN8 transmembrane ER and ERGIC protein; plus strand). Cytogenetic location: 8p23.3.
Variant type: single nucleotide variant.
Coding change: c.606C>G on transcript NM_018941.4 (MANE Select); coding-DNA position 606, C replaced by G.
Protein change: p.His202Gln; replaces histidine 202 with glutamine.
Molecular consequence: missense variant.
Genome position (GRCh38, 1-based): chr8:1,780,312, C>G. VCF-style: chr8-1780312-C-G. GRCh37 (hg19) VCF-style: chr8-1728478-C-G.
Other names: short protein forms H202Q.
Identifiers: ClinVar variation 2181011 (VCV002181011.1), dbSNP rs1490718679, ClinGen allele CA369953942.

ClinVar aggregate classification (germline): Uncertain significance (1 of 4 stars; one submission).

Conditions:
Neuronal ceroid lipofuscinosis. Also called: Neuronal Ceroid Lipofuscinoses. Identifiers: Orphanet 216, Orphanet 79263, MedGen C0027877, MONDO:0016295. Disease mechanism: loss of function.

Allele frequency attached by ClinVar (database versions not stated): gnomAD 0.00001; TOPMed 0.00001.
gnomAD v4.1: 1 of 1,614,156 alleles (0.000062%); highest among the groups gnomAD compares: Admixed American, 0.0017%; no homozygotes.

Submission:

Labcorp Genetics (formerly Invitae), Labcorp
Classification: Uncertain significance for Neuronal ceroid lipofuscinosis. Last evaluated: 2022-08-05. Review status: criteria provided, single submitter. Criteria: Invitae Variant Classification Sherloc (09022015). Collection method: clinical testing. Allele origin: germline.
Comment: This sequence change replaces histidine, which is basic and polar, with glutamine, which is neutral and polar, at codon 202 of the CLN8 protein (p.His202Gln). This variant is not present in population databases (gnomAD no frequency). This variant has not been reported in the literature in individuals affected with CLN8-related conditions. Advanced modeling of protein sequence and biophysical properties (such as structural, functional, and spatial information, amino acid conservation, physicochemical variation, residue mobility, and thermodynamic stability) performed at Invitae indicates that this missense variant is expected to disrupt CLN8 protein function. Algorithms developed to predict the effect of sequence changes on RNA splicing suggest that this variant may create or strengthen a splice site. In summary, the available evidence is currently insufficient to determine the role of this variant in disease. Therefore, it has been classified as a Variant of Uncertain Significance.